The following is an entry in ClinVar:

ClinVar aggregate classification (germline): Pathogenic. Review status: reviewed by expert panel (3 of 4 stars). 3 submissions from 3 submitters: Pathogenic (1). 2 of the submissions do not count toward it. Last evaluated 2024-03-08.

Conditions:
Histiocytic medullary reticulosis. Also called: SEVERE COMBINED IMMUNODEFICIENCY WITH HYPEREOSINOPHILIA; Omenn syndrome. Identifiers: Orphanet 39041, MedGen C2700553, MONDO:0011338, OMIM 603554.
Severe combined immunodeficiency due to DCLRE1C deficiency (RS-SCID). Also called: SCID, AUTOSOMAL RECESSIVE, T CELL-NEGATIVE, B CELL-NEGATIVE, NK CELL-POSITIVE, WITH SENSITIVITY TO IONIZING RADIATION. Identifiers: Orphanet 275, MedGen C1865371, MONDO:0011225, OMIM 602450.

Allele frequency attached by ClinVar (database versions not stated): TOPMed below 0.00001.

Submissions (3):

ClinGen Severe Combined Immunodeficiency Variant Curation Expert Panel, ClinGen
Classification: Pathogenic for Severe combined immunodeficiency due to DCLRE1C deficiency. Last evaluated: 2024-03-08. Review status: reviewed by expert panel. Criteria: ClinGen SCID ACMG Specifications DCLRE1C V1.0.0. Collection method: curation. Allele origin: germline. Inheritance: Autosomal recessive inheritance.
Comment: The c.352G>T (p.Gly118Ter)(NM_001033855.3) variant in DCLRE1C is a nonsense variant predicted to cause a premature stop codon in biologically relevant exon 5/14 leading to nonsense-mediated decay in a gene in which loss-of-function is an established disease mechanism (PVS1 is met). This variant is absent from gnomAD v4 (PM2_Supporting). At least one patient with this variant displayed: * Diagnostic criteria for SCID/Leaky SCID/Omenn syndrome met (0.5pt) and * SCID gene panel or exome/genome sequencing conducted (0.5pt), the total is 1 point, PP4_Supporting (PMID: 37007969). This patient is compound heterozygous with c.328C>G (p.L110V), confirmed in trans (both parents tested); However, this variant has not yet been evaluated by SCID VCEP. In summary, this variant meets the criteria to be classified as Pathogenic for autosomal recessive severe combined immunodeficiency due to DCLRE1C deficiency based on the ACMG/AMP criteria applied, as specified by the ClinGen SCID VCEP: PVS1, PM2_Supporting, and PP4_Supporting (VCEP specifications version 1).

Labcorp Genetics (formerly Invitae), Labcorp
Classification: Pathogenic for Athabaskan severe combined immunodeficiency. Last evaluated: 2023-02-23. Review status: criteria provided, single submitter. Criteria: Invitae Variant Classification Sherloc (09022015). Collection method: clinical testing. Allele origin: germline. Not counted in ClinVar's aggregate classification.
Comment: For these reasons, this variant has been classified as Pathogenic. Algorithms developed to predict the effect of sequence changes on RNA splicing suggest that this variant may disrupt the consensus splice site. ClinVar contains an entry for this variant (Variation ID: 852821). This variant has not been reported in the literature in individuals affected with DCLRE1C-related conditions. This variant is not present in population databases (gnomAD no frequency). This sequence change creates a premature translational stop signal (p.Gly118*) in the DCLRE1C gene. It is expected to result in an absent or disrupted protein product. Loss-of-function variants in DCLRE1C are known to be pathogenic (PMID: 21664875, 26123418).

Baylor Genetics
Classification: Pathogenic for Histiocytic medullary reticulosis. Last evaluated: 2023-02-04. Review status: criteria provided, single submitter. Criteria: ACMG Guidelines, 2015. Collection method: clinical testing. Allele origin: unknown. Not counted in ClinVar's aggregate classification.

Literature cited by the submitters: PubMed 21664875 (cited by Labcorp Genetics (formerly Invitae), Labcorp); PubMed 26123418 (cited by Labcorp Genetics (formerly Invitae), Labcorp).

NM_001033855.3(DCLRE1C):c.352G>T (p.Gly118Ter)

Gene: DCLRE1C (DNA cross-link repair 1C; minus strand). Cytogenetic location: 10p13.
Variant type: single nucleotide variant.
Coding change: c.352G>T on transcript NM_001033855.3 (MANE Select); coding-DNA position 352, G replaced by T.
Protein change: p.Gly118Ter; replaces glycine 118 with a stop codon.
Molecular consequence: nonsense. On other transcripts: 5 prime UTR variant (5), non-coding transcript variant (3), intron variant (4).
Genome position (GRCh38, 1-based): chr10:14,936,548, C>A on the plus strand (G>T on the coding strand, the complement: DCLRE1C is on the minus strand). VCF-style: chr10-14936548-C-A. GRCh37 (hg19) VCF-style: chr10-14978547-C-A.
Other names: NM_001033855.3(DCLRE1C):c.352G>T; p.Gly118Ter; c.-9G>T (NM_001033857.3, NM_001033858.3, NM_001289077.2 and 2 more transcripts); c.352G>T, p.Gly118Ter (NM_001350965.2); c.18-984G>T (NM_001350966.2, NM_001289078.2, NM_001289076.2 and 1 more transcripts); short protein forms G118*.
Identifiers: ClinVar variation 852821 (VCV000852821.8), dbSNP rs1839957089, ClinGen allele CA376061152.